The following is an entry in ClinVar:

NM_003560.4(PLA2G6):c.1069G>A (p.Ala357Thr)

Gene: PLA2G6 (phospholipase A2 group VI; minus strand). Cytogenetic location: 22q13.1.
Variant type: single nucleotide variant.
Coding change: c.1069G>A on transcript NM_003560.4 (MANE Select); coding-DNA position 1069, G replaced by A.
Protein change: p.Ala357Thr; replaces alanine 357 with threonine.
Molecular consequence: missense variant.
Genome position (GRCh38, 1-based): chr22:38,132,839, C>T on the plus strand (G>A on the coding strand, the complement: PLA2G6 is on the minus strand). VCF-style: chr22-38132839-C-T. GRCh37 (hg19) VCF-style: chr22-38528846-C-T.
Other names: c.1069G>A, p.Ala357Thr (NM_001004426.3, NM_001199562.3, NM_001349864.2 and 2 more transcripts); c.535G>A, p.Ala179Thr (NM_001349867.2, NM_001349869.2); c.391G>A, p.Ala131Thr (NM_001349868.2); c.1069G>A (NM_003560.2); short protein forms A131T, A179T, A357T.
Identifiers: ClinVar variation 1686078 (VCV001686078.2), dbSNP rs2145770192, ClinGen allele CA411530626.

ClinVar aggregate classification (germline): Pathogenic/Likely pathogenic. Review status: criteria provided, multiple submitters, no conflicts (2 of 4 stars). 2 submissions from 2 submitters: Pathogenic (1); Likely pathogenic (1). Last evaluated 2022-05-04.

Conditions:
Infantile neuroaxonal dystrophy (NBIA2A). Also called: NEURODEGENERATION WITH BRAIN IRON ACCUMULATION 2A; SEITELBERGER DISEASE; Infantile neuroaxonal dystrophy 1. Identifiers: Orphanet 35069, MedGen C0270724, MONDO:0024457, OMIM 256600.
Neurodegeneration with brain iron accumulation 2B. Also called: NEUROAXONAL DYSTROPHY, ATYPICAL; NEURODEGENERATION WITH BRAIN IRON ACCUMULATION, PLA2G6-RELATED; aNAD; atypical Neuroaxonal Dystrophy (aNAD). Identifiers: Orphanet 35069, MedGen C1857747, MONDO:0012444, OMIM 610217.

Allele frequency attached by ClinVar (database versions not stated): gnomAD exomes below 0.00001.

Submissions (2):

Mendelics
Classification: Pathogenic for Infantile neuroaxonal dystrophy. Last evaluated: 2022-05-04. Review status: criteria provided, single submitter. Criteria: Mendelics Assertion Criteria 2019. Collection method: clinical testing. Allele origin: germline.

Victorian Clinical Genetics Services, Murdoch Childrens Research Institute
Classification: Likely pathogenic for Neurodegeneration with brain iron accumulation 2B. Last evaluated: 2020-05-21. Review status: criteria provided, single submitter. Criteria: ACMG Guidelines, 2015. Collection method: clinical testing. Allele origin: germline. Inheritance: Autosomal recessive inheritance. Affected: yes.
Comment: A heterozygous missense variant, NM_003560.2(PLA2G6):c.1069G>A, has been identified in exon 7 of 17 of the PLA2G6 gene. The variant is predicted to result in a minor amino acid change from alanine to threonine at position 357 of the protein (NP_003551.2(PLA2G6):p.(Ala357Thr)). The alanine residue at this position has very high conservation (100 vertebrates, UCSC), and is located within the Ank repeat 7 domain. In silico predictions for this variant are consistently pathogenic (Polyphen, SIFT, CADD, Mutation Taster). The variant is absent in population databases (gnomAD) and has not been previously reported in clinical cases. Based on the information available at the time of curation, this variant has been classified as LIKELY PATHOGENIC. The presence of this variant in trans with c.2221C>T confirms compound heterozygous mode of inheritance which is consistent with neurodegeneration with brain iron accumulation 2B.